The following is an entry in ClinVar:

NM_182961.4(SYNE1):c.6934T>C (p.Phe2312Leu)

Gene: SYNE1 (spectrin repeat containing nuclear envelope protein 1; minus strand). Cytogenetic location: 6q25.2.
Variant type: single nucleotide variant.
Coding change: c.6934T>C on transcript NM_182961.4 (MANE Select); coding-DNA position 6934, T replaced by C.
Protein change: p.Phe2312Leu; replaces phenylalanine 2312 with leucine.
Molecular consequence: missense variant.
Genome position (GRCh38, 1-based): chr6:152,401,233, A>G on the plus strand (T>C on the coding strand, the complement: SYNE1 is on the minus strand). VCF-style: chr6-152401233-A-G. GRCh37 (hg19) VCF-style: chr6-152722368-A-G.
Other names: p.Phe2319Leu; c.6955T>C, p.Phe2319Leu (NM_033071.5); short protein forms F2312L, F2319L.
Identifiers: ClinVar variation 197575 (VCV000197575.66), dbSNP rs138004884, ClinGen allele CA202961.

ClinVar aggregate classification (germline): Conflicting classifications of pathogenicity. Review status: criteria provided, conflicting classifications (1 of 4 stars). 11 submissions from 10 submitters: Uncertain significance (1); Benign (1); Likely benign (7). 2 of the submissions do not count toward it. Last evaluated 2026-01-12.

Conditions:
Autosomal recessive ataxia, Beauce type. Also called: SYNE1-Related Autosomal Recessive Cerebellar Ataxia; ATAXIA, RECESSIVE, OF BEAUCE; SYNE1 Deficiency; Spinocerebellar ataxia, autosomal recessive 8. Identifiers: Orphanet 88644, MedGen C1853116, MONDO:0012549, OMIM 610743.
Emery-Dreifuss muscular dystrophy 4, autosomal dominant (EDMD4). Also called: EMERY-DREIFUSS MUSCULAR DYSTROPHY 4 WITH VARIABLE FEATURES. Identifiers: Orphanet 261, MedGen C2751807, MONDO:0013071, OMIM 612998.

Allele frequency attached by ClinVar (database versions not stated): 1000 Genomes Project 30x 0.00016; 1000 Genomes Project 0.00020; TOPMed 0.00042; ESP Exome Variant Server 0.00069; gnomAD exomes 0.00101 and 0.00132; ExAC 0.00115; gnomAD 0.00115 and 0.00126.
gnomAD v4.1: 1,629 of 1,614,022 alleles (0.1%); highest among the groups gnomAD compares: Non-Finnish European, 0.092%; 3 homozygotes.

Submissions (11):

Labcorp Genetics (formerly Invitae), Labcorp
Classification: Likely benign for Emery-Dreifuss muscular dystrophy 4, autosomal dominant; Autosomal recessive ataxia, Beauce type. Last evaluated: 2026-01-12. Review status: criteria provided, single submitter. Criteria: Invitae Variant Classification Sherloc (09022015). Collection method: clinical testing. Allele origin: germline.

Mayo Clinic Laboratories, Mayo Clinic
Classification: Likely benign. Last evaluated: 2025-09-25. Review status: criteria provided, single submitter. Criteria: ACMG Guidelines, 2015. Collection method: clinical testing. Allele origin: germline. Observed: 2 variant alleles.
Comment: BS1, BP4_moderate

CeGaT Center for Human Genetics Tuebingen
Classification: Likely benign. Last evaluated: 2025-06-01. Review status: criteria provided, single submitter. Criteria: CeGaT Center For Human Genetics Tuebingen Variant Classification Criteria Version 2. Collection method: clinical testing. Allele origin: germline. Affected: yes. Observed: 8 variant alleles.
Comment: SYNE1: BP1

Blueprint Genetics
Classification: Likely benign. Last evaluated: 2024-11-22. Review status: criteria provided, single submitter. Criteria: ACMG Guidelines, 2015. Collection method: clinical testing. Allele origin: germline.

GeneDx
Classification: Likely benign. Last evaluated: 2020-09-17. Review status: criteria provided, single submitter. Criteria: GeneDx Variant Classification Process June 2021. Collection method: clinical testing. Allele origin: germline. Affected: yes.

Illumina Laboratory Services, Illumina
Classification: Uncertain significance for Autosomal recessive ataxia, Beauce type. Last evaluated: 2018-01-12. Review status: criteria provided, single submitter. Criteria: ICSL Variant Classification Criteria 13 December 2019. Collection method: clinical testing. Allele origin: germline.

Illumina Laboratory Services, Illumina
Classification: Benign for Emery-Dreifuss muscular dystrophy 4, autosomal dominant. Last evaluated: 2018-01-12. Review status: criteria provided, single submitter. Criteria: ICSL Variant Classification Criteria 13 December 2019. Collection method: clinical testing. Allele origin: germline.
Comment: This variant was observed in the ICSL laboratory as part of a predisposition screen in an ostensibly healthy population. It had not been previously curated by ICSL or reported in the Human Gene Mutation Database (HGMD: prior to June 1st, 2018), and was therefore a candidate for classification through an automated scoring system. Utilizing variant allele frequency, disease prevalence and penetrance estimates, and inheritance mode, an automated score was calculated to assess if this variant is too frequent to cause the disease. Based on the score and internal cut-off values, a variant classified as benign is not then subjected to further curation. The score for this variant resulted in a classification of benign for this disease.

Athena Diagnostics
Classification: Likely benign. Last evaluated: 2017-09-19. Review status: criteria provided, single submitter. Criteria: Athena Diagnostics Criteria. Collection method: clinical testing. Allele origin: germline.

Eurofins Ntd Llc (ga)
Classification: Likely benign. Last evaluated: 2015-05-13. Review status: criteria provided, single submitter. Criteria: EGL Classification Definitions 2015. Collection method: clinical testing. Allele origin: germline. Observed: 1 variant allele.

Clinical Genetics DNA and cytogenetics Diagnostics Lab, Erasmus MC, Erasmus Medical Center
Classification: Likely benign. Review status: no assertion criteria provided. Collection method: clinical testing. Allele origin: germline. Affected: yes. Study: VKGL Data-share Consensus. Not counted in ClinVar's aggregate classification.

Genome Diagnostics Laboratory, University Medical Center Utrecht
Classification: Benign. Review status: no assertion criteria provided. Collection method: clinical testing. Allele origin: germline. Affected: yes. Study: VKGL Data-share Consensus. Not counted in ClinVar's aggregate classification.